The following is an entry in ClinVar:

ClinVar aggregate classification (germline): Uncertain significance (1 of 4 stars; one submission).

Conditions:
Early-infantile DEE. Also called: Ohtahara syndrome; Early infantile epileptic encephalopathy with suppression bursts; Early infantile epileptic encephalopathy. Identifiers: Orphanet 1934, MedGen C0393706, MONDO:0800491.

Submission:

Labcorp Genetics (formerly Invitae), Labcorp
Classification: Uncertain significance for Early-infantile DEE. Last evaluated: 2024-08-11. Review status: criteria provided, single submitter. Criteria: Invitae Variant Classification Sherloc (09022015). Collection method: clinical testing. Allele origin: germline.
Comment: This sequence change replaces cysteine, which is neutral and slightly polar, with tyrosine, which is neutral and polar, at codon 3 of the GNAO1 protein (p.Cys3Tyr). This variant is not present in population databases (gnomAD no frequency). This missense change has been observed in individual(s) with neurodevelopmental disorders (PMID: 33994118). Advanced modeling of protein sequence and biophysical properties (such as structural, functional, and spatial information, amino acid conservation, physicochemical variation, residue mobility, and thermodynamic stability) performed at Invitae indicates that this missense variant is expected to disrupt GNAO1 protein function with a positive predictive value of 95%. In summary, the available evidence is currently insufficient to determine the role of this variant in disease. Therefore, it has been classified as a Variant of Uncertain Significance.

Literature cited by the submitters: PubMed 33994118.

NM_020988.3(GNAO1):c.8G>A (p.Cys3Tyr)

Gene: GNAO1 (G protein subunit alpha o1; plus strand). Cytogenetic location: 16q13.
Variant type: single nucleotide variant.
Coding change: c.8G>A on transcript NM_020988.3 (MANE Select); coding-DNA position 8, G replaced by A.
Protein change: p.Cys3Tyr; replaces cysteine 3 with tyrosine.
Molecular consequence: missense variant.
Genome position (GRCh38, 1-based): chr16:56,192,243, G>A. VCF-style: chr16-56192243-G-A. GRCh37 (hg19) VCF-style: chr16-56226155-G-A.
Other names: c.8G>A, p.Cys3Tyr (NM_138736.3); short protein forms C3Y.
Identifiers: ClinVar variation 3677141 (VCV003677141.2).